The following is an entry in ClinVar:

NM_006922.4(SCN3A):c.4937T>C (p.Phe1646Ser)

Gene: SCN3A (sodium voltage-gated channel alpha subunit 3; minus strand). Cytogenetic location: 2q24.3.
Variant type: single nucleotide variant.
Coding change: c.4937T>C on transcript NM_006922.4 (MANE Select); coding-DNA position 4937, T replaced by C.
Protein change: p.Phe1646Ser; replaces phenylalanine 1646 with serine.
Molecular consequence: missense variant.
Genome position (GRCh38, 1-based): chr2:165,091,216, A>G on the plus strand (T>C on the coding strand, the complement: SCN3A is on the minus strand). VCF-style: chr2-165091216-A-G. GRCh37 (hg19) VCF-style: chr2-165947726-A-G.
Other names: c.4790T>C, p.Phe1597Ser (NM_001081676.2, NM_001081677.2); short protein forms F1597S, F1646S.
Identifiers: ClinVar variation 1329936 (VCV001329936.2), dbSNP rs2105621618, ClinGen allele CA349017951.

ClinVar aggregate classification (germline): Likely pathogenic. Review status: criteria provided, multiple submitters, no conflicts (2 of 4 stars). 2 submissions from 2 submitters: Likely pathogenic (2). Last evaluated 2026-06-10.

Conditions:
Inborn genetic diseases. Identifiers: MedGen C0950123, MeSH D030342.
Developmental and epileptic encephalopathy, 62. Also called: Early infantile epileptic encephalopathy 62. Identifiers: MedGen C4693699, MONDO:0033371, OMIM 617938.

Submissions (2):

Ambry Genetics
Classification: Likely pathogenic for Inborn genetic diseases. Last evaluated: 2026-06-10. Review status: criteria provided, single submitter. Criteria: Ambry Variant Classification Scheme 2023. Collection method: clinical testing. Allele origin: germline.
Comment: The c.4937T>C (p.F1646S) alteration is located in exon 28 (coding exon 26) of the SCN3A gene. This alteration results from a T to C substitution at nucleotide position 4937, causing the phenylalanine (F) at amino acid position 1646 to be replaced by a serine (S). This variant was not reported in population-based cohorts in the Genome Aggregation Database (gnomAD). This variant was determined to be de novo in at least one individual with features consistent with SCN3A-related neurodevelopmental disorder (Zaman, 2020). This amino acid position is highly conserved in available vertebrate species. This alteration is predicted to be deleterious by in silico analysis. Based on the available evidence, this alteration is classified as likely pathogenic.

Institute of Human Genetics, University of Leipzig Medical Center
Classification: Likely pathogenic for Developmental and epileptic encephalopathy, 62. Last evaluated: 2021-12-21. Review status: criteria provided, single submitter. Criteria: ACMG Guidelines, 2015. Collection method: research. Allele origin: de novo. Affected: yes.

Literature cited by the submitters: PubMed 32515017 (cited by Ambry Genetics and Institute of Human Genetics, University of Leipzig Medical Center).